The following is an entry in ClinVar:

NM_144687.4(NLRP12):c.1164C>A (p.Phe388Leu)

Gene: NLRP12 (NLR family pyrin domain containing 12; minus strand). Cytogenetic location: 19q13.42.
Variant type: single nucleotide variant.
Coding change: c.1164C>A on transcript NM_144687.4 (MANE Select); coding-DNA position 1164, C replaced by A.
Protein change: p.Phe388Leu; replaces phenylalanine 388 with leucine.
Molecular consequence: missense variant.
Genome position (GRCh38, 1-based): chr19:53,810,495, G>T on the plus strand (C>A on the coding strand, the complement: NLRP12 is on the minus strand). VCF-style: chr19-53810495-G-T. GRCh37 (hg19) VCF-style: chr19-54313749-G-T.
Other names: c.1164C>A, p.Phe388Leu (NM_001277126.2, NM_001277129.1); short protein forms F388L.
Identifiers: ClinVar variation 3709187 (VCV003709187.2).

ClinVar aggregate classification (germline): Uncertain significance (1 of 4 stars; one submission).

Conditions:
Familial cold autoinflammatory syndrome 2 (FCAS2). Identifiers: Orphanet 247868, MedGen C2673198, MONDO:0012724, OMIM 611762.

Submission:

Labcorp Genetics (formerly Invitae), Labcorp
Classification: Uncertain significance for Familial cold autoinflammatory syndrome 2. Last evaluated: 2024-05-22. Review status: criteria provided, single submitter. Criteria: Invitae Variant Classification Sherloc (09022015). Collection method: clinical testing. Allele origin: germline.
Comment: This sequence change replaces phenylalanine, which is neutral and non-polar, with leucine, which is neutral and non-polar, at codon 388 of the NLRP12 protein (p.Phe388Leu). This variant is present in population databases (rs770094676, gnomAD 0.003%). This variant has not been reported in the literature in individuals affected with NLRP12-related conditions. Advanced modeling of protein sequence and biophysical properties (such as structural, functional, and spatial information, amino acid conservation, physicochemical variation, residue mobility, and thermodynamic stability) performed at Invitae indicates that this missense variant is not expected to disrupt NLRP12 protein function with a negative predictive value of 80%. In summary, the available evidence is currently insufficient to determine the role of this variant in disease. Therefore, it has been classified as a Variant of Uncertain Significance.